The following is an entry in ClinVar:

ClinVar aggregate classification (germline): Uncertain significance (1 of 4 stars; one submission).

Conditions:
Primary ciliary dyskinesia 6. Also called: Primary Ciliary Dyskinesia 6: TXNDC3-Related Primary Ciliary Dyskinesia. Identifiers: Orphanet 244, MedGen C1970506, MONDO:0012571, OMIM 610852.

gnomAD v4.1: 11 of 1,611,654 alleles (0.00068%); highest among the groups gnomAD compares: South Asian, 0.012%; no homozygotes.

Submission:

Labcorp Genetics (formerly Invitae), Labcorp
Classification: Uncertain significance for Primary ciliary dyskinesia 6. Last evaluated: 2025-03-09. Review status: criteria provided, single submitter. Criteria: Invitae Variant Classification Sherloc (09022015). Collection method: clinical testing. Allele origin: germline.
Comment: This sequence change falls in intron 15 of the NME8 gene. It does not directly change the encoded amino acid sequence of the NME8 protein. This variant is present in population databases (rs748098092, gnomAD 0.003%). This variant has not been reported in the literature in individuals affected with NME8-related conditions. Algorithms developed to predict the effect of sequence changes on RNA splicing suggest that this variant may disrupt the consensus splice site. In summary, the available evidence is currently insufficient to determine the role of this variant in disease. Therefore, it has been classified as a Variant of Uncertain Significance.

NM_016616.5(NME8):c.1400-12T>A

Gene: NME8 (NME/NM23 family member 8; plus strand). Cytogenetic location: 7p14.1.
Variant type: single nucleotide variant.
Coding change: c.1400-12T>A on transcript NM_016616.5 (MANE Select); 12 bases into the intron before coding-DNA position 1400, T replaced by A.
Molecular consequence: intron variant.
Genome position (GRCh38, 1-based): chr7:37,894,454, T>A. VCF-style: chr7-37894454-T-A. GRCh37 (hg19) VCF-style: chr7-37934056-T-A.
Identifiers: ClinVar variation 4765355 (VCV004765355.1).